The following is an entry in ClinVar:

NM_001330078.2(NRXN1):c.3344G>C (p.Ser1115Thr)

Gene: NRXN1 (neurexin 1; minus strand). Cytogenetic location: 2p16.3.
Variant type: single nucleotide variant.
Coding change: c.3344G>C on transcript NM_001330078.2 (MANE Select); coding-DNA position 3344, G replaced by C.
Protein change: p.Ser1115Thr; replaces serine 1115 with threonine.
Molecular consequence: missense variant.
Genome position (GRCh38, 1-based): chr2:50,465,462, C>G on the plus strand (G>C on the coding strand, the complement: NRXN1 is on the minus strand). VCF-style: chr2-50465462-C-G. GRCh37 (hg19) VCF-style: chr2-50692600-C-G.
Other names: c.3464G>C, p.Ser1155Thr (NM_001135659.3); c.3320G>C, p.Ser1107Thr (NM_001330077.2, NM_001330082.2); c.3278G>C, p.Ser1093Thr (NM_001330083.2, NM_001330084.2); c.3317G>C, p.Ser1106Thr (NM_001330085.2); c.3344G>C, p.Ser1115Thr (NM_001330086.2, NM_004801.6); c.3233G>C, p.Ser1078Thr (NM_001330087.2, NM_001330096.2); c.3263G>C, p.Ser1088Thr (NM_001330088.2); c.3341G>C, p.Ser1114Thr (NM_001330093.2); and 2 more; short protein forms S1078T, S1088T, S1098T, S1114T, S1107T, S1155T, S1093T, S1106T.
Identifiers: ClinVar variation 1047536 (VCV001047536.8), dbSNP rs201871194, ClinGen allele CA346770202.

ClinVar aggregate classification (germline): Uncertain significance (1 of 4 stars; one submission).

Conditions:
Pitt-Hopkins-like syndrome 2 (PTHSL2). Identifiers: Orphanet 221150, Orphanet 600663, MedGen C3280479, MONDO:0013690, OMIM 614325.

gnomAD v4.1: 1 of 1,610,156 alleles (0.000062%); highest among the groups gnomAD compares: East Asian, 0.0022%; no homozygotes.

Submission:

Labcorp Genetics (formerly Invitae), Labcorp
Classification: Uncertain significance for Pitt-Hopkins-like syndrome 2. Last evaluated: 2021-03-05. Review status: criteria provided, single submitter. Criteria: Invitae Variant Classification Sherloc (09022015). Collection method: clinical testing. Allele origin: germline.
Comment: Algorithms developed to predict the effect of missense changes on protein structure and function (SIFT, PolyPhen-2, Align-GVGD) all suggest that this variant is likely to be tolerated, but these predictions have not been confirmed by published functional studies and their clinical significance is uncertain. In summary, the available evidence is currently insufficient to determine the role of this variant in disease. Therefore, it has been classified as a Variant of Uncertain Significance. This variant has not been reported in the literature in individuals with NRXN1-related conditions. This variant is not present in population databases (ExAC no frequency). This sequence change replaces serine with threonine at codon 1155 of the NRXN1 protein (p.Ser1155Thr). The serine residue is highly conserved and there is a small physicochemical difference between serine and threonine.